The following is an entry in ClinVar:

ClinVar aggregate classification (germline): Uncertain significance (1 of 4 stars; one submission).

Submission:

GeneDx
Classification: Uncertain significance. Last evaluated: 2026-01-12. Review status: criteria provided, single submitter. Criteria: GeneDx Variant Classification Process June 2021. Collection method: clinical testing. Allele origin: germline.
Comment: Not observed at significant frequency in large population cohorts (gnomAD); In silico analysis suggests that this missense variant does not alter protein structure/function; Has not been previously published as pathogenic or benign to our knowledge

NM_138927.4(SON):c.2668A>G (p.Thr890Ala)

Gene: SON (SON DNA and RNA binding protein; plus strand). Cytogenetic location: 21q22.11.
Variant type: single nucleotide variant.
Coding change: c.2668A>G on transcript NM_138927.4 (MANE Select); coding-DNA position 2668, A replaced by G.
Protein change: p.Thr890Ala; replaces threonine 890 with alanine.
Molecular consequence: missense variant. On other transcripts: non-coding transcript variant (1), intron variant (1).
Genome position (GRCh38, 1-based): chr21:33,551,899, A>G. VCF-style: chr21-33551899-A-G. GRCh37 (hg19) VCF-style: chr21-34924205-A-G.
Other names: c.2668A>G, p.Thr890Ala (NM_001291411.2, NM_032195.3); c.245-5257A>G (NM_001291412.3); short protein forms T890A.
Identifiers: ClinVar variation 4057004 (VCV004057004.2).
Genomic context (GRCh38, chr21:33,551,899, plus strand): 5'-ACTATGGACTCTCAAATGTTAGCTTCTGGCACCATGGATGCTCAGATGTTAGCGTCTGGT[A>G]CCATGGATGCCCAGATGTTAGCGTCTAGTACCCAAGATTCTGCTATGTTGGGTTCAAAAT-3'
Protein context (NP_620305.3, residues 880-900): TMDAQMLASG[Thr890Ala]MDAQMLASST